The following is an entry in ClinVar:

NM_145064.3(STAC3):c.739C>T (p.Gln247Ter)

Gene: STAC3 (SH3 and cysteine rich domain 3; minus strand). Cytogenetic location: 12q13.3.
Variant type: single nucleotide variant.
Coding change: c.739C>T on transcript NM_145064.3 (MANE Select); coding-DNA position 739, C replaced by T.
Protein change: p.Gln247Ter; replaces glutamine 247 with a stop codon.
Molecular consequence: nonsense. On other transcripts: non-coding transcript variant (1).
Genome position (GRCh38, 1-based): chr12:57,244,604, G>A on the plus strand (C>T on the coding strand, the complement: STAC3 is on the minus strand). VCF-style: chr12-57244604-G-A. GRCh37 (hg19) VCF-style: chr12-57638387-G-A.
Other names: c.622C>T, p.Gln208Ter (NM_001286256.2); c.181C>T, p.Gln61Ter (NM_001286257.2); short protein forms Q247*, Q61*, Q208*.
Identifiers: ClinVar variation 577652 (VCV000577652.7), dbSNP rs1202215410, ClinGen allele CA385411906.
Genomic context (GRCh38, chr12:57,244,604, plus strand): 5'-CCAGATCGTCCTTCTCCAGGGCTTTGAACCGATAGAGAGCCACAAAGTAATGAGACTGCT[G>A]GAAGCCAGGCTGCTTGTGCTGGGGGTGCAAGGGAATGATGAGTCTTAGGGCTCCTCTACC-3'

ClinVar aggregate classification (germline): Pathogenic (1 of 4 stars; one submission).

Conditions:
Bailey-Bloch congenital myopathy (CMYO13). Also called: Native American myopathy; STAC3 disorder; Congenital myopathy 13. Identifiers: Orphanet 168572, MedGen C1850625, MONDO:0009722, OMIM 255995.

Allele frequency attached by ClinVar (database versions not stated): gnomAD exomes below 0.00001; gnomAD 0.00001; TOPMed 0.00001.

Submission:

Labcorp Genetics (formerly Invitae), Labcorp
Classification: Pathogenic for Bailey-Bloch congenital myopathy. Last evaluated: 2023-10-22. Review status: criteria provided, single submitter. Criteria: Invitae Variant Classification Sherloc (09022015). Collection method: clinical testing. Allele origin: germline.
Comment: This sequence change creates a premature translational stop signal (p.Gln247*) in the STAC3 gene. It is expected to result in an absent or disrupted protein product. Loss-of-function variants in STAC3 are known to be pathogenic (PMID: 28411587, 28777491). This variant is not present in population databases (gnomAD no frequency). This variant has not been reported in the literature in individuals affected with STAC3-related conditions. ClinVar contains an entry for this variant (Variation ID: 577652). Algorithms developed to predict the effect of sequence changes on RNA splicing suggest that this variant may disrupt the consensus splice site. For these reasons, this variant has been classified as Pathogenic.

Literature cited by the submitters: PubMed 28411587; PubMed 28777491.